The following is an entry in ClinVar:

NM_001368894.2(PAX6):c.828G>C (p.Arg276Ser)

Gene: PAX6 (paired box 6; minus strand). Cytogenetic location: 11p13.
Variant type: single nucleotide variant.
Coding change: c.828G>C on transcript NM_001368894.2 (MANE Select); coding-DNA position 828, G replaced by C.
Protein change: p.Arg276Ser; replaces arginine 276 with serine.
Molecular consequence: missense variant. On other transcripts: non-coding transcript variant (2).
Genome position (GRCh38, 1-based): chr11:31,793,782, C>G on the plus strand (G>C on the coding strand, the complement: PAX6 is on the minus strand). VCF-style: chr11-31793782-C-G. GRCh37 (hg19) VCF-style: chr11-31815330-C-G.
Other names: c.378G>C, p.Arg126Ser (NM_001368903.2, NM_001368904.2, NM_001368905.2 and 11 more transcripts); c.1029G>C, p.Arg343Ser (NM_001368910.2); c.831G>C, p.Arg277Ser (NM_001368911.2); c.828G>C, p.Arg276Ser (NM_001368912.2, NM_001368913.2, NM_001368914.2 and 6 more transcripts); c.861G>C, p.Arg287Ser (NM_001368920.2); c.627G>C, p.Arg209Ser (NM_001368921.2, NM_001368922.2, NM_001368923.2 and 4 more transcripts); c.786G>C, p.Arg262Ser (NM_001368915.2, NM_001368916.2, NM_001368917.2 and 10 more transcripts); c.585G>C, p.Arg195Ser (NM_001368928.2); and 2 more; short protein forms R126S, R195S, R209S, R262S, R276S, R277S, R287S, R301S.
Identifiers: ClinVar variation 988073 (VCV000988073.3), dbSNP rs1950628459, ClinGen allele CA379956543.

ClinVar aggregate classification (germline): Pathogenic (1 of 4 stars; one submission).

Conditions:
Irido-corneo-trabecular dysgenesis (ASGD5). Also called: ANTERIOR SEGMENT DYSGENESIS 5. Identifiers: Orphanet 708, MedGen C0344559, MONDO:0011414, OMIM 604229, HP:0000659.

Submission:

Genetics Department, University Hospital of Toulouse
Classification: Pathogenic for Irido-corneo-trabecular dysgenesis. Last evaluated: 2020-11-26. Review status: criteria provided, single submitter. Criteria: ACMG Guidelines, 2015. Collection method: clinical testing. Allele origin: germline. Affected: yes. Observed: 2 variant alleles.
Comment: PM1, PM2, PM5, PP1, PP3